The following is an entry in ClinVar:

NM_016169.4(SUFU):c.371T>C (p.Leu124Pro)

Gene: SUFU (SUFU negative regulator of hedgehog signaling; plus strand). Cytogenetic location: 10q24.32.
Variant type: single nucleotide variant.
Coding change: c.371T>C on transcript NM_016169.4 (MANE Select); coding-DNA position 371, T replaced by C.
Protein change: p.Leu124Pro; replaces leucine 124 with proline.
Molecular consequence: missense variant.
Genome position (GRCh38, 1-based): chr10:102,550,023, T>C. VCF-style: chr10-102550023-T-C. GRCh37 (hg19) VCF-style: chr10-104309780-T-C.
Other names: c.371T>C, p.Leu124Pro (NM_001178133.2); short protein forms L124P.
Identifiers: ClinVar variation 4532488 (VCV004532488.2).
Genomic context (GRCh38, chr10:102,550,023, plus strand): 5'-CTTTCAGGTTTACAGGAACAGATGGACCTAGTGGTTTTGGCTTTGAGTTGACCTTTCGTC[T>C]GAAGAGAGAAACTGGGGAGTCTGCCCCACCAACATGGCCCGCAGAGTTAATGCAGGGCTT-3'
Protein context (NP_057253.2, residues 114-134): SGFGFELTFR[Leu124Pro]KRETGESAPP

ClinVar aggregate classification (germline): Uncertain significance (1 of 4 stars; one submission).

Submission:

GeneDx
Classification: Uncertain significance. Last evaluated: 2026-07-13. Review status: criteria provided, single submitter. Criteria: GeneDx Variant Classification Process June 2021. Collection method: clinical testing. Allele origin: germline.
Comment: Not observed at significant frequency in large population cohorts (gnomAD); In silico analysis supports that this missense variant has a deleterious effect on protein structure/function; Has not been previously published as pathogenic or benign to our knowledge; This variant is associated with the following publications: (PMID: 24311597)